The following is an entry in ClinVar:

ClinVar aggregate classification (germline): Uncertain significance (1 of 4 stars; one submission).

Conditions:
RPGRIP1L-related disorder. Also called: RPGRIP1L-related disorders; RPGRIP1L-related condition. Identifiers: MedGen CN239416.

Submission:

PreventionGenetics, part of Exact Sciences
Classification: Uncertain significance for RPGRIP1L-related condition. Last evaluated: 2025-08-12. Review status: criteria provided, single submitter. Criteria: ACMG Guidelines, 2015. Collection method: clinical testing. Allele origin: germline.
Comment: The RPGRIP1L c.1077G>C variant is predicted to result in the amino acid substitution p.Lys359Asn. To our knowledge, this variant has not been reported in the literature or in a large population database (gnomAD), indicating this variant is rare. At this time, the clinical significance of this variant is uncertain due to the absence of conclusive functional and genetic evidence.

NM_015272.5(RPGRIP1L):c.1077G>C (p.Lys359Asn)

Gene: RPGRIP1L (RPGRIP1 like; minus strand). Cytogenetic location: 16q12.2.
Variant type: single nucleotide variant.
Coding change: c.1077G>C on transcript NM_015272.5 (MANE Select); coding-DNA position 1077, G replaced by C.
Protein change: p.Lys359Asn; replaces lysine 359 with asparagine.
Molecular consequence: missense variant.
Genome position (GRCh38, 1-based): chr16:53,671,536, C>G on the plus strand (G>C on the coding strand, the complement: RPGRIP1L is on the minus strand). VCF-style: chr16-53671536-C-G. GRCh37 (hg19) VCF-style: chr16-53705448-C-G.
Other names: c.1077G>C, p.Lys359Asn (NM_001127897.4, NM_001308334.3, NM_001330538.2); short protein forms K359N.
Identifiers: ClinVar variation 4984270 (VCV004984270.1).